The following is an entry in ClinVar:

NC_000006.12:g.(?_24527977)_(24528186_?)del

Gene: ALDH5A1 (aldehyde dehydrogenase 5 family member A1; plus strand). Cytogenetic location: 6p22.3.
Variant type: Deletion.
Identifiers: ClinVar variation 583913 (VCV000583913.7).

ClinVar aggregate classification (germline): Pathogenic (1 of 4 stars; one submission).

Conditions:
Succinate-semialdehyde dehydrogenase deficiency (SSADHD). Also called: SSADH DEFICIENCY; Succinic Semialdehyde Dehydrogenase Deficiency; 4-HYDROXYBUTYRIC ACIDURIA; GABA METABOLIC DEFECT. Identifiers: Orphanet 22, MedGen C0268631, MONDO:0010083, OMIM 271980.

Submission:

Labcorp Genetics (formerly Invitae), Labcorp
Classification: Pathogenic for Succinate-semialdehyde dehydrogenase deficiency. Last evaluated: 2022-11-08. Review status: criteria provided, single submitter. Criteria: Invitae Variant Classification Sherloc (09022015). Collection method: clinical testing. Allele origin: germline.
Comment: For these reasons, this variant has been classified as Pathogenic. This variant disrupts a region of the ALDH5A1 protein in which other variant(s) (p.Tyr519*) have been determined to be pathogenic (PMID: 23430864). This suggests that this is a clinically significant region of the protein, and that variants that disrupt it are likely to be disease-causing. This variant has not been reported in the literature in individuals affected with ALDH5A1-related conditions. This variant is a gross deletion of the genomic region encompassing exon(s) 8 of the ALDH5A1 gene. While this deletion is not anticipated to lead to nonsense mediated decay, it is expected to disrupt the C-terminus of the protein.

Literature cited by the submitters: PubMed 23430864.